The following is an entry in ClinVar:

NM_000038.6(APC):c.2118G>A (p.Met706Ile)

Gene: APC (APC regulator of Wnt signaling pathway; plus strand). Cytogenetic location: 5q22.2.
Variant type: single nucleotide variant.
Coding change: c.2118G>A on transcript NM_000038.6 (MANE Select); coding-DNA position 2118, G replaced by A.
Protein change: p.Met706Ile; replaces methionine 706 with isoleucine.
Molecular consequence: missense variant. On other transcripts: non-coding transcript variant (2).
Genome position (GRCh38, 1-based): chr5:112,837,712, G>A. VCF-style: chr5-112837712-G-A. GRCh37 (hg19) VCF-style: chr5-112173409-G-A.
Other names: c.2118G>A, p.Met706Ile (NM_001127510.3, NM_001354895.2, NM_001407450.1); c.2064G>A, p.Met688Ile (NM_001127511.3); c.2172G>A, p.Met724Ile (NM_001354896.2, NM_001407447.1, NM_001407448.1 and 1 more transcripts); c.2148G>A, p.Met716Ile (NM_001354897.2); c.2043G>A, p.Met681Ile (NM_001354898.2); c.2034G>A, p.Met678Ile (NM_001354899.2); c.1995G>A, p.Met665Ile (NM_001354900.2); c.1941G>A, p.Met647Ile (NM_001354901.2, NM_001407453.1); and 11 more; short protein forms M546I, M605I, M623I, M647I, M665I, M678I, M688I, M696I.
Identifiers: ClinVar variation 3409698 (VCV003409698.1).

ClinVar aggregate classification (germline): Uncertain significance (1 of 4 stars; one submission).

Conditions:
Hereditary cancer-predisposing syndrome. Also called: Neoplastic Syndromes, Hereditary; Tumor predisposition; Hereditary Cancer Syndrome; Hereditary neoplastic syndrome. Identifiers: Orphanet 140162, MedGen C0027672, MeSH D009386, MONDO:0015356.

Submission:

Ambry Genetics
Classification: Uncertain significance for Hereditary cancer-predisposing syndrome. Last evaluated: 2024-08-05. Review status: criteria provided, single submitter. Criteria: Ambry Variant Classification Scheme 2023. Collection method: clinical testing. Allele origin: germline.
Comment: The p.M706I variant (also known as c.2118G>A), located in coding exon 15 of the APC gene, results from a G to A substitution at nucleotide position 2118. The methionine at codon 706 is replaced by isoleucine, an amino acid with highly similar properties. This amino acid position is highly conserved in available vertebrate species. In addition, in silico predictors for this gene do not accurately predict pathogenicity. Missense alterations in APC are not a common cause of disease (Spier I et al. Genet Med. 2024 Feb;26(2):100992). Based on the available evidence, the clinical significance of this variant remains unclear.